The following is an entry in ClinVar:

ClinVar aggregate classification (germline): Likely benign (1 of 4 stars; one submission).

Conditions:
MIAT-related disorder. Also called: MIAT-related condition.

Submission:

PreventionGenetics, part of Exact Sciences
Classification: Likely benign for MIAT-related condition. Last evaluated: 2023-06-07. Review status: criteria provided, single submitter. Criteria: ACMG Guidelines, 2015. Collection method: clinical testing. Allele origin: germline.
Comment: This variant is classified as likely benign based on ACMG/AMP sequence variant interpretation guidelines (Richards et al. 2015 PMID: 25741868, with internal and published modifications).

NR_033320.3(MIAT):n.3408G>C

Gene: MIAT (myocardial infarction associated transcript; plus strand). Cytogenetic location: 22q12.1.
Variant type: single nucleotide variant.
Molecular consequence: non-coding transcript variant (on NR_033320.3).
Genome position: GRCh38 VCF-style: chr22-26669882-G-C. GRCh37 (hg19) VCF-style: chr22-27065845-G-C.
Identifiers: ClinVar variation 3037110 (VCV003037110.1), dbSNP rs2517481704, ClinGen allele CA514055605.